The following is an entry in ClinVar:

NM_001458.5(FLNC):c.7261C>T (p.Leu2421Phe)

Genes: FLNC (filamin C; plus strand), FLNC-AS1 (FLNC antisense RNA 1; minus strand). Cytogenetic location: 7q32.1.
Variant type: single nucleotide variant.
Coding change: c.7261C>T on transcript NM_001458.5 (MANE Select); coding-DNA position 7261, C replaced by T.
Protein change: p.Leu2421Phe; replaces leucine 2421 with phenylalanine.
Molecular consequence: missense variant.
Genome position (GRCh38, 1-based): chr7:128,856,527, C>T. VCF-style: chr7-128856527-C-T. GRCh37 (hg19) VCF-style: chr7-128496581-C-T.
Other names: c.7162C>T, p.Leu2388Phe (NM_001127487.2); short protein forms L2388F, L2421F.
Identifiers: ClinVar variation 3515953 (VCV003515953.1).

ClinVar aggregate classification (germline): Uncertain significance (1 of 4 stars; one submission).

Conditions:
Cardiovascular phenotype. Identifiers: MedGen CN230736.

Submission:

Ambry Genetics
Classification: Uncertain significance for Cardiovascular phenotype. Last evaluated: 2024-10-14. Review status: criteria provided, single submitter. Criteria: Ambry Variant Classification Scheme 2023. Collection method: clinical testing. Allele origin: germline.
Comment: The p.L2421F variant (also known as c.7261C>T), located in coding exon 44 of the FLNC gene, results from a C to T substitution at nucleotide position 7261. The leucine at codon 2421 is replaced by phenylalanine, an amino acid with highly similar properties. This amino acid position is conserved. In addition, the in silico prediction for this alteration is inconclusive. Based on the available evidence, the clinical significance of this variant remains unclear.